The following is an entry in ClinVar:

NM_004655.4(AXIN2):c.1987T>C (p.Trp663Arg)

Gene: AXIN2 (axin 2; minus strand). Cytogenetic location: 17q24.1.
Variant type: single nucleotide variant.
Coding change: c.1987T>C on transcript NM_004655.4 (MANE Select); coding-DNA position 1987, T replaced by C.
Protein change: p.Trp663Arg; replaces tryptophan 663 with arginine.
Molecular consequence: missense variant.
Genome position (GRCh38, 1-based): chr17:65,536,474, A>G on the plus strand (T>C on the coding strand, the complement: AXIN2 is on the minus strand). VCF-style: chr17-65536474-A-G. GRCh37 (hg19) VCF-style: chr17-63532592-A-G.
Other names: c.1987T>C (LRG_296t1); c.1792T>C, p.Trp598Arg (NM_001363813.1); short protein forms W663R, W598R.
Identifiers: ClinVar variation 234452 (VCV000234452.16), dbSNP rs770763142, ClinGen allele CA10577571.

ClinVar aggregate classification (germline): Uncertain significance. Review status: criteria provided, multiple submitters, no conflicts (2 of 4 stars). 6 submissions from 6 submitters: Uncertain significance (6). Last evaluated 2025-12-18.

Conditions:
AXIN2-related disorder.
Hereditary cancer-predisposing syndrome. Also called: Neoplastic Syndromes, Hereditary; Hereditary neoplastic syndrome; Hereditary Cancer Syndrome; Tumor predisposition. Identifiers: Orphanet 140162, MedGen C0027672, MeSH D009386, MONDO:0015356.
Oligodontia-cancer predisposition syndrome. Also called: TOOTH AGENESIS-COLORECTAL CANCER SYNDROME. Identifiers: Orphanet 300576, MedGen C1837750, MONDO:0012075, OMIM 608615. Disease mechanism: loss of function.

gnomAD v4.1: 44 of 1,613,888 alleles (0.0027%); highest among the groups gnomAD compares: Non-Finnish European, 0.0037%; no homozygotes.

Submissions (6):

Labcorp Genetics (formerly Invitae), Labcorp
Classification: Uncertain significance for Oligodontia-cancer predisposition syndrome. Last evaluated: 2025-12-18. Review status: criteria provided, single submitter. Criteria: Invitae Variant Classification Sherloc (09022015). Collection method: clinical testing. Allele origin: germline.
Comment: This sequence change replaces tryptophan, which is neutral and slightly polar, with arginine, which is basic and polar, at codon 663 of the AXIN2 protein (p.Trp663Arg). This variant is present in population databases (rs770763142, gnomAD 0.0009%). This variant has not been reported in the literature in individuals affected with AXIN2-related conditions. ClinVar contains an entry for this variant (Variation ID: 234452). Invitae Evidence Modeling of protein sequence and biophysical properties (such as structural, functional, and spatial information, amino acid conservation, physicochemical variation, residue mobility, and thermodynamic stability) indicates that this missense variant is not expected to disrupt AXIN2 protein function with a negative predictive value of 80%. In summary, the available evidence is currently insufficient to determine the role of this variant in disease. Therefore, it has been classified as a Variant of Uncertain Significance.

PreventionGenetics, part of Exact Sciences
Classification: Uncertain significance for AXIN2-related condition. Last evaluated: 2025-11-10. Review status: criteria provided, single submitter. Criteria: ACMG Guidelines, 2015. Collection method: clinical testing. Allele origin: germline.
Comment: The AXIN2 c.1987T>C variant is predicted to result in the amino acid substitution p.Trp663Arg. To our knowledge, this variant has not been reported in the literature. This variant is reported in 0.00092% of alleles in individuals of European (Non-Finnish) descent in gnomAD and is classified as uncertain in ClinVar (Variation ID: 234452). At this time, the clinical significance of this variant is uncertain due to the absence of conclusive functional and genetic evidence.

Ambry Genetics
Classification: Uncertain significance for Hereditary cancer-predisposing syndrome. Last evaluated: 2024-09-16. Review status: criteria provided, single submitter. Criteria: Ambry Variant Classification Scheme 2023. Collection method: clinical testing. Allele origin: germline.
Comment: The p.W663R variant (also known as c.1987T>C), located in coding exon 7 of the AXIN2 gene, results from a T to C substitution at nucleotide position 1987. The tryptophan at codon 663 is replaced by arginine, an amino acid with dissimilar properties. This amino acid position is well conserved in available vertebrate species. In addition, the in silico prediction for this alteration is inconclusive. Since supporting evidence is limited at this time, the clinical significance of this alteration remains unclear.

GeneDx
Classification: Uncertain significance. Last evaluated: 2024-06-10. Review status: criteria provided, single submitter. Criteria: GeneDx Variant Classification Process June 2021. Collection method: clinical testing. Allele origin: germline. Affected: yes.
Comment: Not observed at significant frequency in large population cohorts (gnomAD); In silico analysis supports that this missense variant has a deleterious effect on protein structure/function; Has not been previously published as pathogenic or benign to our knowledge; This variant is associated with the following publications: (PMID: 15735151)

Quest Diagnostics Nichols Institute San Juan Capistrano
Classification: Uncertain significance. Last evaluated: 2023-05-16. Review status: criteria provided, single submitter. Criteria: Quest Diagnostics criteria. Collection method: clinical testing. Allele origin: unknown.
Comment: To the best of our knowledge, this variant has not been reported in the published literature. The frequency of this variant in the general population, 0.0000041 (1/245484 chromosomes (Genome Aggregation Database)), is uninformative in the assessment of its pathogenicity. Analysis of this variant using bioinformatics tools for the prediction of the effect of amino acid changes on protein structure and function yielded predictions that this variant is benign. Based on the available information, we are unable to determine the clinical significance of this variant.

Sema4
Classification: Uncertain significance for Hereditary cancer-predisposing syndrome. Last evaluated: 2021-09-02. Review status: criteria provided, single submitter. Criteria: Sema4 Curation Guidelines. Collection method: curation. Allele origin: germline.
Comment: The AXIN2 c.1987T>C (p.W663R) variant has not been reported in literature to our knowledge. It was observed in 1/108734 chromosomes in the European Non-Finnish population according to the Genome Aggregation Database (PMID: 32461654). This variant has been reported in ClinVar (Variation ID 234452). Functional studies have not been performed, and in silico predictions of the variant's effect on protein function are inconclusive. The overall evidence is insufficient to meet ACMG/AMP criteria for classifying it as benign or pathogenic. In summary, the clinical significance of this variant is currently uncertain.